The following is an entry in ClinVar:

ClinVar aggregate classification (germline): Uncertain significance. Review status: criteria provided, multiple submitters, no conflicts (2 of 4 stars). 3 submissions from 3 submitters: Uncertain significance (3). Last evaluated 2022-02-04.

Conditions:
Combined oxidative phosphorylation defect type 17. Also called: Combined oxidative phosphorylation deficiency 17. Identifiers: Orphanet 369913, MedGen C3809526, MONDO:0014190, OMIM 615440.
Prostate cancer, hereditary, 2 (HPC2). Identifiers: Orphanet 1331, MedGen C3539120, MONDO:0013872, OMIM 614731.

Allele frequency attached by ClinVar (database versions not stated): gnomAD exomes below 0.00001.
gnomAD v4.1: 1 of 1,612,638 alleles (0.000062%); highest among the groups gnomAD compares: Non-Finnish European, 0.000085%; no homozygotes.

Submissions (3):

Labcorp Genetics (formerly Invitae), Labcorp
Classification: Uncertain significance for Combined oxidative phosphorylation defect type 17. Last evaluated: 2022-02-04. Review status: criteria provided, single submitter. Criteria: Invitae Variant Classification Sherloc (09022015). Collection method: clinical testing. Allele origin: germline.
Comment: This sequence change replaces glutamine, which is neutral and polar, with glutamic acid, which is acidic and polar, at codon 594 of the ELAC2 protein (p.Gln594Glu). This variant is present in population databases (no rsID available, gnomAD 0.0009%). This variant has not been reported in the literature in individuals affected with ELAC2-related conditions. ClinVar contains an entry for this variant (Variation ID: 474562). Algorithms developed to predict the effect of missense changes on protein structure and function (SIFT, PolyPhen-2, Align-GVGD) all suggest that this variant is likely to be tolerated. In summary, the available evidence is currently insufficient to determine the role of this variant in disease. Therefore, it has been classified as a Variant of Uncertain Significance.

Clinical Genomics Laboratory, Stanford Medicine
Classification: Uncertain significance for Prostate cancer, hereditary, 2. Last evaluated: 2021-06-11. Review status: criteria provided, single submitter. Criteria: ACMG Guidelines, 2015. Collection method: clinical testing. Allele origin: germline. Affected: yes. Observed: 1 heterozygote.
Comment: The p.Gln594Glu variant in the ELAC2 gene has not been previously reported in association with disease. This variant has been identified in 1/111,544 European chromosomes by the Genome Aggregation Database. Computational tools predict that the p.Gln594Glu variant does not impact protein function; however, the accuracy of in silico algorithms is limited. These data were assessed using the ACMG/AMP variant interpretation guidelines. In summary, the significance of the p.Gln594Glu variant is uncertain. Additional information is needed to resolve the significance of this variant. [ACMG evidence codes used: PM2; BP4]

Stanford Center for Inherited Cardiovascular Disease, Stanford University
Classification: Uncertain significance. Last evaluated: 2018-01-09. Review status: criteria provided, single submitter. Criteria: ACMG Guidelines, 2015. Collection method: provider interpretation. Allele origin: germline.

NM_018127.7(ELAC2):c.1780C>G (p.Gln594Glu)

Gene: ELAC2 (elaC ribonuclease Z 2; minus strand). Cytogenetic location: 17p12.
Variant type: single nucleotide variant.
Coding change: c.1780C>G on transcript NM_018127.7 (MANE Select); coding-DNA position 1780, C replaced by G.
Protein change: p.Gln594Glu; replaces glutamine 594 with glutamic acid.
Molecular consequence: missense variant.
Genome position (GRCh38, 1-based): chr17:12,995,731, G>C on the plus strand (C>G on the coding strand, the complement: ELAC2 is on the minus strand). VCF-style: chr17-12995731-G-C. GRCh37 (hg19) VCF-style: chr17-12899048-G-C.
Other names: p.Gln594Glu; c.1660C>G, p.Gln554Glu (NM_001165962.2); c.1777C>G, p.Gln593Glu (NM_173717.2); short protein forms Q594E, Q593E, Q554E.
Identifiers: ClinVar variation 474562 (VCV000474562.6), dbSNP rs1435693717, ClinGen allele CA398223543.